The following is an entry in ClinVar:

ClinVar aggregate classification (germline): Pathogenic (1 of 4 stars; one submission).

Submission:

Labcorp Genetics (formerly Invitae), Labcorp
Classification: Pathogenic. Last evaluated: 2020-08-20. Review status: criteria provided, single submitter. Criteria: Invitae Variant Classification Sherloc (09022015). Collection method: clinical testing. Allele origin: germline.
Comment: For these reasons, this variant has been classified as Pathogenic. Loss-of-function variants in CDH23 are known to be pathogenic (PMID: 11138009, 21940737). This variant has not been reported in the literature in individuals with CDH23-related conditions. This variant is not present in population databases (ExAC no frequency). This sequence change creates a premature translational stop signal (p.His1153Metfs*7) in the CDH23 gene. It is expected to result in an absent or disrupted protein product.

Literature cited by the submitters: PubMed 11138009; PubMed 21940737.

NM_022124.6(CDH23):c.3457del (p.His1153fs)

Genes: C10orf105 (chromosome 10 open reading frame 105; minus strand), CDH23 (cadherin related 23; plus strand). Cytogenetic location: 10q22.1.
Variant type: Deletion.
Coding change: c.3457del on transcript NM_022124.6 (MANE Select); coding-DNA position 3457, one base deleted (C; older notation c.3457delC).
Protein change: p.His1153fs; shifts the reading frame from histidine 1153.
Molecular consequence: frameshift variant. On other transcripts: intron variant (1).
Genome position (GRCh38, 1-based): chr10:71,725,398, C deleted; the last of 2 consecutive C bases (chr10:71,725,397-71,725,398); deleting either gives the same sequence. VCF-style (leftmost placement, unchanged base first): chr10-71725396-TC-T. GRCh37 (hg19) VCF-style: chr10-73485153-TC-T.
Other names: c.-5-9055del (NM_001168390.2); c.3457del, p.His1153fs (NM_001171930.2); short protein forms H1153fs.
Identifiers: ClinVar variation 1068856 (VCV001068856.8), dbSNP rs2132805056, ClinGen allele CA2499220336.
Genomic context (GRCh38, chr10:71,725,396, plus strand): 5'-GGGCCGGTGTTCCAGGGGGTCTGTCCCTCCACACAGGTAACCATGGCAACAACTTCCGGA[TC>T]CATGTCAGCAATGGGCTCCTGATGCGAGGGCCCCGGCCCCTGGACCGGGAGCGGAACTCA-3'